The following is an entry in ClinVar:

NC_000016.9:g.(?_3632343)_(3633531_?)del

Gene: SLX4 (SLX4 structure-specific endonuclease subunit; minus strand). Cytogenetic location: 16p13.3.
Variant type: Deletion.
Identifiers: ClinVar variation 2427037 (VCV002427037.4).

ClinVar aggregate classification (germline): Pathogenic (1 of 4 stars; one submission).

Conditions:
Fanconi anemia (FA). Also called: Fanconi's anemia. Identifiers: Orphanet 84, MedGen C0015625, MeSH D005199, MONDO:0019391.

Submission:

Labcorp Genetics (formerly Invitae), Labcorp
Classification: Pathogenic for Fanconi anemia. Last evaluated: 2022-10-08. Review status: criteria provided, single submitter. Criteria: Invitae Variant Classification Sherloc (09022015). Collection method: clinical testing. Allele origin: germline.
Comment: For these reasons, this variant has been classified as Pathogenic. This variant disrupts a region of the SLX4 protein in which other variant(s) (p.Gln1744Alafs*34) have been determined to be pathogenic (PMID: 24733792). This suggests that this is a clinically significant region of the protein, and that variants that disrupt it are likely to be disease-causing. This variant has not been reported in the literature in individuals affected with SLX4-related conditions. This variant is a gross deletion of the genomic region encompassing exon(s) 14-15 of the SLX4 gene, which includes the termination codon. This deletion extends beyond the assayed region for this gene and therefore may encompass additional genes. While this deletion is not anticipated to lead to nonsense mediated decay, it is expected to alter mRNA translation or result in a truncated protein product.

Literature cited by the submitters: PubMed 24733792.